The following is an entry in ClinVar:

NM_001369.3(DNAH5):c.4238_4239insCATCTGTA (p.Gln1413fs)

Genes: DNAH5 (dynein axonemal heavy chain 5; minus strand), DNAH5-AS1 (DNAH5 antisense RNA 1; plus strand). Cytogenetic location: 5p15.2.
Variant type: Insertion.
Coding change: c.4238_4239insCATCTGTA on transcript NM_001369.3 (MANE Select); coding-DNA positions 4238 to 4239, CATCTGTA inserted.
Protein change: p.Gln1413fs; shifts the reading frame from glutamine 1413.
Molecular consequence: frameshift variant.
Genome position: GRCh38 VCF-style: chr5-13865784-C-CTACAGATG. GRCh37 (hg19) VCF-style: chr5-13865893-C-CTACAGATG.
Other names: short protein forms Q1413fs.
Identifiers: ClinVar variation 5011066 (VCV005011066.1).

ClinVar aggregate classification (germline): Pathogenic (1 of 4 stars; one submission).

Conditions:
Primary ciliary dyskinesia 3. Identifiers: Orphanet 244, MedGen C1837618, MONDO:0012085, OMIM 608644.

Submission:

Myriad Genetics, Inc.
Classification: Pathogenic for Primary ciliary dyskinesia 3. Last evaluated: 2024-05-14. Review status: criteria provided, single submitter. Criteria: Myriad Autosomal Dominant, Autosomal Recessive and X-Linked Classification Criteria (2023). Collection method: clinical testing. Allele origin: unknown.
Comment: NM_001369.2(DNAH5):c.4238_4239ins8(Q1413Hfs*14) is expected to be pathogenic in the context of primary ciliary dyskinesia, DNAH5-related. This variant is predicted to lead to an abnormal or absent protein product due to the creation of a premature termination codon in DNAH5, a gene where loss-of-function variants are known to be pathogenic. Please note: this variant was assessed in the context of healthy population screening.